The following is an entry in ClinVar:

ClinVar aggregate classification (germline): Likely pathogenic (1 of 4 stars; one submission).

Submission:

GeneDx
Classification: Likely pathogenic. Last evaluated: 2016-08-29. Review status: criteria provided, single submitter. Criteria: GeneDx Variant Classification (06012015). Collection method: clinical testing. Allele origin: germline. Affected: yes.
Comment: The Y390S variant in the DNM1 gene has not been reported previously as a pathogenicvariant nor as a benign variant, to our knowledge. The Y390S variant was not observed inapproximately 6500 individuals of European and African American ancestry in the NHLBI ExomeSequencing Project, indicating it is not a common benign variant in these populations. The Y390Svariant is a semi-conservative amino acid substitution, which may impact secondary protein structureas these residues differ in some properties. This substitution occurs at a position that is conservedacross species. In silico analysis predicts this variant is probably damaging to the proteinstructure/function. The Y390S variant is a strong candidate for a pathogenic variant.

NM_004408.4(DNM1):c.1169A>C (p.Tyr390Ser)

Gene: DNM1 (dynamin 1; plus strand). Cytogenetic location: 9q34.11.
Variant type: single nucleotide variant.
Coding change: c.1169A>C on transcript NM_004408.4 (MANE Select); coding-DNA position 1169, A replaced by C.
Protein change: p.Tyr390Ser; replaces tyrosine 390 with serine.
Molecular consequence: missense variant.
Genome position (GRCh38, 1-based): chr9:128,222,833, A>C. VCF-style: chr9-128222833-A-C. GRCh37 (hg19) VCF-style: chr9-130985112-A-C.
Other names: c.1169A>C, p.Tyr390Ser (NM_001005336.3, NM_001288737.2, NM_001288738.2 and 1 more transcripts); short protein forms Y390S.
Identifiers: ClinVar variation 422075 (VCV000422075.2), dbSNP rs1064795538, ClinGen allele CA16618755.